The following is an entry in ClinVar:

NM_002890.3(RASA1):c.540-2A>C

Genes: CCNH (cyclin H; minus strand), RASA1 (RAS p21 protein activator 1; plus strand). Cytogenetic location: 5q14.3.
Variant type: single nucleotide variant.
Coding change: c.540-2A>C on transcript NM_002890.3 (MANE Select); the canonical splice acceptor site of the intron before coding-DNA position 540, A replaced by C.
Molecular consequence: splice acceptor variant. On other transcripts: intron variant (1).
Genome position (GRCh38, 1-based): chr5:87,331,346, A>C. VCF-style: chr5-87331346-A-C. GRCh37 (hg19) VCF-style: chr5-86627163-A-C.
Other names: c.9-2A>C (NM_022650.3); c.934-18551T>G (NM_001364075.2).
Identifiers: ClinVar variation 1346633 (VCV001346633.8), dbSNP rs2112365844, ClinGen allele CA360374669.

ClinVar aggregate classification (germline): Likely pathogenic (1 of 4 stars; one submission).

Conditions:
Capillary malformation-arteriovenous malformation syndrome. Also called: Capillary malformation-arteriovenous malformation. Identifiers: Orphanet 137667, MedGen C1842180, MONDO:0012016.

Submission:

Labcorp Genetics (formerly Invitae), Labcorp
Classification: Likely pathogenic for Capillary malformation-arteriovenous malformation syndrome. Last evaluated: 2022-03-19. Review status: criteria provided, single submitter. Criteria: Invitae Variant Classification Sherloc (09022015). Collection method: clinical testing. Allele origin: germline.
Comment: This variant is not present in population databases (gnomAD no frequency). This sequence change affects an acceptor splice site in intron 1 of the RASA1 gene. It is expected to disrupt RNA splicing. Variants that disrupt the donor or acceptor splice site typically lead to a loss of protein function (PMID: 16199547), and loss-of-function variants in RASA1 are known to be pathogenic (PMID: 24038909). Algorithms developed to predict the effect of sequence changes on RNA splicing suggest that this variant may disrupt the consensus splice site. This variant has not been reported in the literature in individuals affected with RASA1-related conditions. In summary, the currently available evidence indicates that the variant is pathogenic, but additional data are needed to prove that conclusively. Therefore, this variant has been classified as Likely Pathogenic.

Literature cited by the submitters: PubMed 16199547; PubMed 24038909.